The following is an entry in ClinVar:

NM_152594.3(SPRED1):c.386A>T (p.Glu129Val)

Gene: SPRED1 (sprouty related EVH1 domain containing 1; plus strand). Cytogenetic location: 15q14.
Variant type: single nucleotide variant.
Coding change: c.386A>T on transcript NM_152594.3 (MANE Select); coding-DNA position 386, A replaced by T.
Protein change: p.Glu129Val; replaces glutamic acid 129 with valine.
Molecular consequence: missense variant.
Genome position (GRCh38, 1-based): chr15:38,324,772, A>T. VCF-style: chr15-38324772-A-T. GRCh37 (hg19) VCF-style: chr15-38616973-A-T.
Other names: c.386A>T (NM_152594.2); short protein forms E129V.
Identifiers: ClinVar variation 2420926 (VCV002420926.8), dbSNP rs1230768530, ClinGen allele CA391932299.
Genomic context (GRCh38, chr15:38,324,772, plus strand): 5'-GACTCTAAGACAAAAATTCTATACTTAATTAACTTTTATCTATTTTCTTAGGATGCCCCG[A>T]ATCAAAAAATGAAGCTGAAGGGGCAGATGACTTACAAGTAAGTAATGGCTTGGAAGGAAT-3'
Protein context (NP_689807.1, residues 119-139): AIEDISQGCP[Glu129Val]SKNEAEGADD

ClinVar aggregate classification (germline): Uncertain significance. Review status: criteria provided, multiple submitters, no conflicts (2 of 4 stars). 2 submissions from 2 submitters: Uncertain significance (2). Last evaluated 2024-08-19.

Conditions:
Cardiovascular phenotype. Identifiers: MedGen CN230736.
Legius syndrome. Identifiers: Orphanet 137605, MedGen C1969623, MONDO:0012669, OMIM 611431. Disease mechanism: loss of function.

Allele frequency attached by ClinVar (database versions not stated): gnomAD 0.00001; gnomAD exomes 0.00002.
gnomAD v4.1: 28 of 1,609,972 alleles (0.0017%); highest among the groups gnomAD compares: South Asian, 0.0033%; no homozygotes.

Submissions (2):

Ambry Genetics
Classification: Uncertain significance for Cardiovascular phenotype. Last evaluated: 2024-08-19. Review status: criteria provided, single submitter. Criteria: Ambry Variant Classification Scheme 2023. Collection method: clinical testing. Allele origin: germline.
Comment: The p.E129V variant (also known as c.386A>T), located in coding exon 4 of the SPRED1 gene, results from an A to T substitution at nucleotide position 386. The glutamic acid at codon 129 is replaced by valine, an amino acid with dissimilar properties. This amino acid position is conserved. In addition, this alteration is predicted to be tolerated by in silico analysis. Based on the available evidence, the clinical significance of this variant remains unclear.

Labcorp Genetics (formerly Invitae), Labcorp
Classification: Uncertain significance for Legius syndrome. Last evaluated: 2022-02-19. Review status: criteria provided, single submitter. Criteria: Invitae Variant Classification Sherloc (09022015). Collection method: clinical testing. Allele origin: germline.
Comment: This variant has not been reported in the literature in individuals affected with SPRED1-related conditions. In summary, the available evidence is currently insufficient to determine the role of this variant in disease. Therefore, it has been classified as a Variant of Uncertain Significance. Algorithms developed to predict the effect of missense changes on protein structure and function output the following: SIFT: "Tolerated"; PolyPhen-2: "Benign"; Align-GVGD: "Class C0". The valine amino acid residue is found in multiple mammalian species, which suggests that this missense change does not adversely affect protein function. This variant is present in population databases (no rsID available, gnomAD 0.007%). This sequence change replaces glutamic acid, which is acidic and polar, with valine, which is neutral and non-polar, at codon 129 of the SPRED1 protein (p.Glu129Val).